The following is an entry in ClinVar:

ClinVar aggregate classification (germline): Conflicting classifications of pathogenicity. Review status: criteria provided, conflicting classifications (1 of 4 stars). 5 submissions from 5 submitters: Uncertain significance (3); Likely benign (2). Last evaluated 2026-06-16.

Conditions:
Hereditary cancer-predisposing syndrome. Also called: Neoplastic Syndromes, Hereditary; Hereditary Cancer Syndrome; Tumor predisposition; Hereditary neoplastic syndrome. Identifiers: Orphanet 140162, MedGen C0027672, MeSH D009386, MONDO:0015356.
Cardiovascular phenotype. Identifiers: MedGen CN230736.
Neurofibromatosis, type 1 (NF1). Also called: VON RECKLINGHAUSEN DISEASE; Neurofibromatosis, type I; NEUROFIBROMATOSIS, TYPE I, SOMATIC; Peripheral type neurofibromatosis. Identifiers: Orphanet 636, MedGen C0027831, MONDO:0018975, OMIM 162200. Disease mechanism: loss of function.

Allele frequency attached by ClinVar (database versions not stated): TOPMed 0.00001.
gnomAD v4.1: 2 of 1,597,190 alleles (0.00013%); highest among the groups gnomAD compares: Non-Finnish European, 0.00017%; no homozygotes.

Submissions (5):

Ambry Genetics
Classification: Likely benign for Cardiovascular phenotype; Hereditary cancer-predisposing syndrome. Last evaluated: 2026-06-16. Review status: criteria provided, single submitter. Criteria: Ambry Variant Classification Scheme 2023. Collection method: clinical testing. Allele origin: germline.

Labcorp Genetics (formerly Invitae), Labcorp
Classification: Likely benign for Neurofibromatosis, type 1. Last evaluated: 2025-11-13. Review status: criteria provided, single submitter. Criteria: Invitae Variant Classification Sherloc (09022015). Collection method: clinical testing. Allele origin: germline.

GeneDx
Classification: Uncertain significance. Last evaluated: 2024-10-09. Review status: criteria provided, single submitter. Criteria: GeneDx Variant Classification Process June 2021. Collection method: clinical testing. Allele origin: germline. Affected: yes.
Comment: Has not been previously published as pathogenic or benign to our knowledge; In silico analysis indicates that this missense variant does not alter protein structure/function; This variant is associated with the following publications: (PMID: 25486365)

Quest Diagnostics Nichols Institute San Juan Capistrano
Classification: Uncertain significance. Last evaluated: 2024-04-30. Review status: criteria provided, single submitter. Criteria: Quest Diagnostics criteria. Collection method: clinical testing. Allele origin: unknown.

Genome-Nilou Lab
Classification: Uncertain significance for Neurofibromatosis, type 1. Last evaluated: 2022-03-15. Review status: criteria provided, single submitter. Criteria: ACMG Guidelines, 2015. Collection method: clinical testing. Allele origin: germline. Affected: no.

Literature cited by the submitters: PubMed 33471991 (cited by Quest Diagnostics Nichols Institute San Juan Capistrano).

NM_001042492.3(NF1):c.2410G>C (p.Ala804Pro)

Gene: NF1 (neurofibromin 1; plus strand). Cytogenetic location: 17q11.2.
Variant type: single nucleotide variant.
Coding change: c.2410G>C on transcript NM_001042492.3 (MANE Select); coding-DNA position 2410, G replaced by C.
Protein change: p.Ala804Pro; replaces alanine 804 with proline.
Molecular consequence: missense variant.
Genome position (GRCh38, 1-based): chr17:31,229,025, G>C. VCF-style: chr17-31229025-G-C. GRCh37 (hg19) VCF-style: chr17-29556043-G-C.
Other names: c.2410G>C, p.Ala804Pro (NM_000267.4); short protein forms A804P.
Identifiers: ClinVar variation 404441 (VCV000404441.56), dbSNP rs761109477, ClinGen allele CA16615612.